The following is an entry in ClinVar:

ClinVar aggregate classification (germline): Uncertain significance. Review status: criteria provided, multiple submitters, no conflicts (2 of 4 stars). 2 submissions from 2 submitters: Uncertain significance (2). Last evaluated 2022-04-22.

Conditions:
Bardet-Biedl syndrome 17 (BBS17). Identifiers: Orphanet 110, MedGen C3714980, MONDO:0014445, OMIM 615994.

Allele frequency attached by ClinVar (database versions not stated): gnomAD exomes below 0.00001 and 0.00001; ExAC 0.00001.
gnomAD v4.1: 3 of 1,614,106 alleles (0.00019%); highest among the groups gnomAD compares: Non-Finnish European, 0.00025%; no homozygotes.

Submissions (2):

Fulgent Genetics
Classification: Uncertain significance for Bardet-Biedl syndrome 17. Last evaluated: 2022-04-22. Review status: criteria provided, single submitter. Criteria: ACMG Guidelines, 2015. Collection method: clinical testing. Allele origin: unknown.

Labcorp Genetics (formerly Invitae), Labcorp
Classification: Uncertain significance. Last evaluated: 2020-11-27. Review status: criteria provided, single submitter. Criteria: Invitae Variant Classification Sherloc (09022015). Collection method: clinical testing. Allele origin: germline.
Comment: In summary, the available evidence is currently insufficient to determine the role of this variant in disease. Therefore, it has been classified as a Variant of Uncertain Significance. Algorithms developed to predict the effect of missense changes on protein structure and function are either unavailable or do not agree on the potential impact of this missense change (SIFT: "Deleterious"; PolyPhen-2: "Probably Damaging"; Align-GVGD: "Class C0"). This variant has not been reported in the literature in individuals with LZTFL1-related conditions. This variant is present in population databases (rs748688183, ExAC 0.001%). This sequence change replaces tryptophan with serine at codon 94 of the LZTFL1 protein (p.Trp94Ser). The tryptophan residue is moderately conserved and there is a large physicochemical difference between tryptophan and serine.

NM_020347.4(LZTFL1):c.281G>C (p.Trp94Ser)

Gene: LZTFL1 (leucine zipper transcription factor like 1; minus strand). Cytogenetic location: 3p21.31.
Variant type: single nucleotide variant.
Coding change: c.281G>C on transcript NM_020347.4 (MANE Select); coding-DNA position 281, G replaced by C.
Protein change: p.Trp94Ser; replaces tryptophan 94 with serine.
Molecular consequence: missense variant. On other transcripts: non-coding transcript variant (1).
Genome position (GRCh38, 1-based): chr3:45,835,632, C>G on the plus strand (G>C on the coding strand, the complement: LZTFL1 is on the minus strand). VCF-style: chr3-45835632-C-G. GRCh37 (hg19) VCF-style: chr3-45877124-C-G.
Other names: c.230G>C, p.Trp77Ser (NM_001276378.2, NM_001386451.1); c.269G>C, p.Trp90Ser (NM_001276379.2); c.281G>C, p.Trp94Ser (NM_001386452.1); short protein forms W77S, W90S, W94S.
Identifiers: ClinVar variation 1426450 (VCV001426450.9), dbSNP rs748688183, ClinGen allele CA2351973.